The following is an entry in ClinVar:

ClinVar aggregate classification (germline): Benign. Review status: criteria provided, multiple submitters, no conflicts (2 of 4 stars). 3 submissions from 3 submitters: Benign (2). 1 of the submissions does not count toward it. Last evaluated 2018-07-01.

Conditions:
CLIC5-related disorder. Also called: CLIC5-related condition.

Allele frequency attached by ClinVar (database versions not stated): gnomAD exomes 0.02331; 1000 Genomes Project 0.03335; 1000 Genomes Project 30x 0.03389; ExAC 0.01542; gnomAD 0.01849 and 0.01957; TOPMed 0.02196.
gnomAD v4.1: 13,038 of 1,518,520 alleles (0.86%); highest among the groups gnomAD compares: East Asian, 9.4%; 417 homozygotes.

Submissions (3):

GeneDx
Classification: Benign. Last evaluated: 2018-07-01. Review status: criteria provided, single submitter. Criteria: GeneDx Variant Classification Process June 2021. Collection method: clinical testing. Allele origin: germline. Affected: yes.

Laboratory for Molecular Medicine, Mass General Brigham Personalized Medicine
Classification: Benign. Last evaluated: 2017-08-23. Review status: criteria provided, single submitter. Criteria: LMM Criteria. Collection method: clinical testing. Allele origin: germline. Observed: 5 variant alleles.
Comment: c.589-9T>C in intron 5 of CLIC5: This variant is not expected to have clinical s ignificance because it does not alter an amino acid residue, is not located with in the splice consensus sequence, and has been identified in 5.73% (11/192) of E ast Asian chromosomes by the Exome Aggregation Consortium (ExAC; dbSNP rs75878754).

PreventionGenetics, part of Exact Sciences
Classification: Benign for CLIC5-related condition. Last evaluated: 2019-07-24. Review status: no assertion criteria provided. Collection method: clinical testing. Allele origin: germline. Not counted in ClinVar's aggregate classification.
Comment: This variant is classified as benign based on ACMG/AMP sequence variant interpretation guidelines (Richards et al. 2015 PMID: 25741868, with internal and published modifications).

NM_016929.5(CLIC5):c.588+1480T>C

Gene: CLIC5 (chloride intracellular channel 5; minus strand). Cytogenetic location: 6p21.1.
Variant type: single nucleotide variant.
Coding change: c.588+1480T>C on transcript NM_016929.5 (MANE Select); 1480 bases into the intron after coding-DNA position 588, T replaced by C.
Molecular consequence: intron variant.
Genome position (GRCh38, 1-based): chr6:45,912,748, A>G on the plus strand (T>C on the coding strand, the complement: CLIC5 is on the minus strand). VCF-style: chr6-45912748-A-G. GRCh37 (hg19) VCF-style: chr6-45880485-A-G.
Other names: c.471+1480T>C (NM_001370649.1); c.1065+1480T>C (NM_001370650.1, NM_001114086.2); c.589-9T>C (NM_001256023.2).
Identifiers: ClinVar variation 517543 (VCV000517543.8), dbSNP rs75878754, ClinGen allele CA3836725.